The following is an entry in ClinVar:

NM_006648.4(WNK2):c.3136C>T (p.Pro1046Ser)

Gene: WNK2 (WNK lysine deficient protein kinase 2; plus strand). Cytogenetic location: 9q22.31.
Variant type: single nucleotide variant.
Coding change: c.3136C>T on transcript NM_006648.4 (MANE Select); coding-DNA position 3136, C replaced by T.
Protein change: p.Pro1046Ser; replaces proline 1046 with serine.
Molecular consequence: missense variant.
Genome position (GRCh38, 1-based): chr9:93,261,883, C>T. VCF-style: chr9-93261883-C-T. GRCh37 (hg19) VCF-style: chr9-96024165-C-T.
Other names: c.3136C>T, p.Pro1046Ser (NM_001282394.3); short protein forms P1046S.
Identifiers: ClinVar variation 3981733 (VCV003981733.1).

ClinVar aggregate classification (germline): Uncertain significance (1 of 4 stars; one submission).

gnomAD v4.1: 15 of 1,602,196 alleles (0.00094%); highest among the groups gnomAD compares: Non-Finnish European, 0.0012%; 1 homozygote.

Submission:

Ambry Genetics
Classification: Uncertain significance. Last evaluated: 2025-03-27. Review status: criteria provided, single submitter. Criteria: Ambry Variant Classification Scheme 2023. Collection method: clinical testing. Allele origin: germline.
Comment: The p.P1046S variant (also known as c.3136C>T), located in coding exon 12 of the WNK2 gene, results from a C to T substitution at nucleotide position 3136. The proline at codon 1046 is replaced by serine, an amino acid with similar properties. This amino acid position is conserved. In addition, this alteration is predicted to be tolerated by in silico analysis. Based on the available evidence, the clinical significance of this variant remains unclear.